The following is an entry in ClinVar:

ClinVar aggregate classification (germline): Uncertain significance (1 of 4 stars; one submission).

Allele frequency attached by ClinVar (database versions not stated): gnomAD exomes below 0.00001.
gnomAD v4.1: 1 of 1,554,828 alleles (0.000064%); highest among the groups gnomAD compares: South Asian, 0.0012%; no homozygotes.

Submission:

Labcorp Genetics (formerly Invitae), Labcorp
Classification: Uncertain significance. Last evaluated: 2023-03-14. Review status: criteria provided, single submitter. Criteria: Invitae Variant Classification Sherloc (09022015). Collection method: clinical testing. Allele origin: germline.
Comment: In summary, the available evidence is currently insufficient to determine the role of this variant in disease. Therefore, it has been classified as a Variant of Uncertain Significance. Algorithms developed to predict the effect of sequence changes on RNA splicing suggest that this variant may create or strengthen a splice site. This variant has not been reported in the literature in individuals affected with KCNK4-related conditions. This variant is not present in population databases (gnomAD no frequency). This sequence change falls in intron 3 of the KCNK4 gene. It does not directly change the encoded amino acid sequence of the KCNK4 protein.

NM_033310.3(KCNK4):c.313+7G>A

Genes: KCNK4 (potassium two pore domain channel subfamily K member 4; plus strand), KCNK4-CATSPERZ (KCNK4-CATSPERZ readthrough (NMD candidate); plus strand). Cytogenetic location: 11q13.1.
Variant type: single nucleotide variant.
Coding change: c.313+7G>A on transcript NM_033310.3 (MANE Select); 7 bases into the intron after coding-DNA position 313, G replaced by A.
Molecular consequence: intron variant.
Genome position (GRCh38, 1-based): chr11:64,297,008, G>A. VCF-style: chr11-64297008-G-A. GRCh37 (hg19) VCF-style: chr11-64064480-G-A.
Other names: c.313+7G>A (NM_001317090.2).
Identifiers: ClinVar variation 2845739 (VCV002845739.3), dbSNP rs2495686876, ClinGen allele CA2614143106.